The following is an entry in ClinVar:

NM_020631.6(PLEKHG5):c.1393-10C>A

Gene: PLEKHG5 (pleckstrin homology and RhoGEF domain containing G5; minus strand). Cytogenetic location: 1p36.31.
Variant type: single nucleotide variant.
Coding change: c.1393-10C>A on transcript NM_020631.6 (MANE Select); 10 bases into the intron before coding-DNA position 1393, C replaced by A.
Molecular consequence: intron variant.
Genome position (GRCh38, 1-based): chr1:6,470,894, G>T on the plus strand (C>A on the coding strand, the complement: PLEKHG5 is on the minus strand). VCF-style: chr1-6470894-G-T. GRCh37 (hg19) VCF-style: chr1-6530954-G-T.
Other names: c.1393-10C>A (NM_198681.4, NM_001265594.3, NM_001042664.2 and 1 more transcripts); c.1504-10C>A (NM_001042663.3, NM_001265592.2); c.1600-10C>A (NM_001265593.2).
Identifiers: ClinVar variation 1308498 (VCV001308498.8), dbSNP rs768925221, ClinGen allele CA561521.

ClinVar aggregate classification (germline): Conflicting classifications of pathogenicity. Review status: criteria provided, conflicting classifications (1 of 4 stars). 2 submissions from 2 submitters: Uncertain significance (1); Likely benign (1). Last evaluated 2025-12-22.

Conditions:
Neuronopathy, distal hereditary motor, autosomal recessive 4. Also called: Autosomal recessive lower motor neuron disease with childhood onset; NEUROPATHY, DISTAL HEREDITARY MOTOR, AUTOSOMAL RECESSIVE 4. Identifiers: Orphanet 206580, MedGen C1970211, MONDO:0012608, OMIM 611067.
Charcot-Marie-Tooth disease recessive intermediate C. Also called: CHARCOT-MARIE-TOOTH NEUROPATHY, RECESSIVE INTERMEDIATE C. Identifiers: Orphanet 369867, MedGen C3809309, MONDO:0014154, OMIM 615376.

Allele frequency attached by ClinVar (database versions not stated): gnomAD exomes 0.00002 and 0.00009; ExAC 0.00035.
gnomAD v4.1: 26 of 1,412,484 alleles (0.0018%); highest among the groups gnomAD compares: South Asian, 0.019%; 1 homozygote.

Submissions (2):

Labcorp Genetics (formerly Invitae), Labcorp
Classification: Likely benign for Neuronopathy, distal hereditary motor, autosomal recessive 4; Charcot-Marie-Tooth disease recessive intermediate C. Last evaluated: 2025-12-22. Review status: criteria provided, single submitter. Criteria: Invitae Variant Classification Sherloc (09022015). Collection method: clinical testing. Allele origin: germline.

GeneDx
Classification: Uncertain significance. Last evaluated: 2019-04-03. Review status: criteria provided, single submitter. Criteria: GeneDx Variant Classification Process June 2021. Collection method: clinical testing. Allele origin: germline. Affected: yes.
Comment: Has not been previously published as pathogenic or benign to our knowledge; In-silico analysis, which includes splice predictors and evolutionary conservation, is inconclusive as to whether the variant alters gene splicing. In the absence of RNA/functional studies, the actual effect of this sequence change is unknown.